The following is an entry in ClinVar:

ClinVar aggregate classification (germline): Pathogenic (1 of 4 stars; one submission).

Conditions:
Mucopolysaccharidosis, MPS-II (MPS2). Also called: Hunter Syndrome; IDURONATE 2-SULFATASE DEFICIENCY; Mucopolysaccharidosis Type II; Mucopolysaccharidosis type 2; Attenuated MPS (subtype; formerly known as mild MPS II); Severe MPS II. Identifiers: Orphanet 580, Orphanet 79388, MedGen C0026705, MONDO:0010674, OMIM 309900.

Submission:

Laboratory of Diagnosis and Therapy of Lysosomal Disorders, University of Padova
Classification: Pathogenic for Mucopolysaccharidosis, MPS-II. Last evaluated: 2024-06-07. Review status: criteria provided, single submitter. Criteria: ACMG Guidelines, 2015. Collection method: literature only. Allele origin: germline. Affected: yes. Observed: 3 variant alleles.
Comment: Located in a mutational hot spot and/or critical functional domain (PM1_Moderate), Absent from controls (or at low frequency) in gnomAD database (PM2_Moderate), Missense variant in a gene with a low rate of benign missense variation (PP2_Supporting), Multiple lines of computational evidence support a deleterious effect (PP3_Supporting), Patient’s phenotype or family history highly specific for the disease (PP4_Strong)

Classification method: ACMG Guidelines [PMID:25741868] with modifications

Literature cited by the submitters: PubMed 9660053; PubMed 31991612.

NM_000202.8(IDS):c.1000G>A (p.Asp334Asn)

Genes: IDS (iduronate 2-sulfatase; minus strand), LOC106050102 (IDS recombination region; plus strand). Cytogenetic location: Xq28.
Variant type: single nucleotide variant.
Coding change: c.1000G>A on transcript NM_000202.8 (MANE Select); coding-DNA position 1000, G replaced by A.
Protein change: p.Asp334Asn; replaces aspartic acid 334 with asparagine.
Molecular consequence: missense variant. On other transcripts: non-coding transcript variant (1).
Genome position (GRCh38, 1-based): chrX:149,490,320, C>T on the plus strand (G>A on the coding strand, the complement: IDS is on the minus strand). VCF-style: chrX-149490320-C-T. GRCh37 (hg19) VCF-style: chrX-148571851-C-T.
Other names: c.730G>A, p.Asp244Asn (NM_001166550.4); c.1000G>A, p.Asp334Asn (NM_006123.5); short protein forms D244N, D334N.
Identifiers: ClinVar variation 3255898 (VCV003255898.2).